The following is an entry in ClinVar:

NM_004252.5(NHERF1):c.426G>C (p.Lys142Asn)

Genes: NHERF1 (NHERF family PDZ scaffold protein 1; plus strand), SLC9A3R1-AS1 (SLC9A3R1 antisense RNA 1; minus strand). Cytogenetic location: 17q25.1.
Variant type: single nucleotide variant.
Coding change: c.426G>C on transcript NM_004252.5 (MANE Select); coding-DNA position 426, G replaced by C.
Protein change: p.Lys142Asn; replaces lysine 142 with asparagine.
Molecular consequence: missense variant. On other transcripts: non-coding transcript variant (1).
Genome position (GRCh38, 1-based): chr17:74,749,272, G>C. VCF-style: chr17-74749272-G-C. GRCh37 (hg19) VCF-style: chr17-72745411-G-C.
Other names: short protein forms K142N.
Identifiers: ClinVar variation 2885123 (VCV002885123.3), dbSNP rs1003334664, ClinGen allele CA293925111.

ClinVar aggregate classification (germline): Uncertain significance (1 of 4 stars; one submission).

Allele frequency attached by ClinVar (database versions not stated): gnomAD exomes below 0.00001; gnomAD 0.00004; TOPMed 0.00007.
gnomAD v4.1: 10 of 1,529,032 alleles (0.00065%); highest among the groups gnomAD compares: African/African-American, 0.012%; no homozygotes.

Submission:

Labcorp Genetics (formerly Invitae), Labcorp
Classification: Uncertain significance. Last evaluated: 2024-01-04. Review status: criteria provided, single submitter. Criteria: Invitae Variant Classification Sherloc (09022015). Collection method: clinical testing. Allele origin: germline.
Comment: This sequence change replaces lysine, which is basic and polar, with asparagine, which is neutral and polar, at codon 142 of the SLC9A3R1 protein (p.Lys142Asn). This variant is present in population databases (no rsID available, gnomAD 0.02%). This variant has not been reported in the literature in individuals affected with SLC9A3R1-related conditions. An algorithm developed to predict the effect of missense changes on protein structure and function (PolyPhen-2) suggests that this variant is likely to be tolerated. In summary, the available evidence is currently insufficient to determine the role of this variant in disease. Therefore, it has been classified as a Variant of Uncertain Significance.